The following is an entry in ClinVar:

ClinVar aggregate classification (germline): Benign. Review status: criteria provided, single submitter (1 of 4 stars). 2 submissions from 2 submitters: Benign (1). 1 of the submissions does not count toward it.

Allele frequency attached by ClinVar (database versions not stated): gnomAD exomes 0.00067; 1000 Genomes Project 0.00839; ESP Exome Variant Server 0.00885; 1000 Genomes Project 30x 0.00890; ExAC 0.00246; gnomAD 0.00754 and 0.00805; TOPMed 0.00805.
gnomAD v4.1: 2,145 of 1,599,610 alleles (0.13%); highest among the groups gnomAD compares: African/African-American, 2.4%; 96 homozygotes.

Submissions (2):

Breakthrough Genomics
Classification: Benign. Review status: criteria provided, single submitter. Criteria: ACMG Guidelines, 2015. Collection method: not provided. Allele origin: germline. Inheritance: Unknown mechanism. Affected: yes.

Department of Pathology and Laboratory Medicine, Sinai Health System
Classification: Benign. Review status: no assertion criteria provided. Collection method: clinical testing. Allele origin: unknown. Affected: yes. Study: The Canadian Open Genetics Repository (COGR). Not counted in ClinVar's aggregate classification.
Comment: The APOBEC3B p.Ile88Leu variant was not identified in the literature nor was it identified in ClinVar or Cosmic. The variant was identified in dbSNP (ID: rs151303359) and LOVD 3.0. The variant was identified in control databases in 759 of 279140 chromosomes (28 homozygous) at a frequency of 0.002719 increasing the likelihood this could be a low frequency benign variant (Genome Aggregation Database March 6, 2019, v2.1.1). The variant was observed in the following populations: African in 680 of 24728 chromosomes (freq: 0.0275), Latino in 50 of 34640 chromosomes (freq: 0.001443), Other in 10 of 7134 chromosomes (freq: 0.001402) and European (non-Finnish) in 19 of 128516 chromosomes (freq: 0.000148), but was not observed in the Ashkenazi Jewish, East Asian, European (Finnish), or South Asian populations. The p.Ile88 residue is conserved in mammals and computational analyses (PolyPhen-2, SIFT, AlignGVGD, BLOSUM, MutationTaster) provide inconsistent predictions regarding the impact to the protein; this information is not very predictive of pathogenicity. The variant occurs outside of the splicing consensus sequence and 1 of 4 in silico or computational prediction software programs (SpliceSiteFinder, MaxEntScan, NNSPLICE, GeneSplicer) predict a greater than 10% difference in splicing; this is not very predictive of pathogenicity. In summary, based on the above information this variant meets our laboratory's criteria to be classified as benign.

NM_004900.5(APOBEC3B):c.262A>C (p.Ile88Leu)

Genes: APOBEC3B (apolipoprotein B mRNA editing enzyme catalytic subunit 3B; plus strand), LOC126863151 (P300/CBP strongly-dependent group 1 enhancer GRCh37_chr22:39380734-39381933; plus strand). Cytogenetic location: 22q13.1.
Variant type: single nucleotide variant.
Coding change: c.262A>C on transcript NM_004900.5 (MANE Select); coding-DNA position 262, A replaced by C.
Protein change: p.Ile88Leu; replaces isoleucine 88 with leucine.
Molecular consequence: missense variant.
Genome position (GRCh38, 1-based): chr22:38,985,899, A>C. VCF-style: chr22-38985899-A-C. GRCh37 (hg19) VCF-style: chr22-39381904-A-C.
Other names: c.262A>C, p.Ile88Leu (NM_001270411.2); short protein forms I88L.
Identifiers: ClinVar variation 1050592 (VCV001050592.2), dbSNP rs151303359, ClinGen allele CA10237335.